The following is an entry in ClinVar:

NM_002485.5(NBN):c.*1013G>A

Gene: NBN (nibrin; minus strand). Cytogenetic location: 8q21.3.
Variant type: single nucleotide variant.
Coding change: c.*1013G>A on transcript NM_002485.5 (MANE Select); 1013 bases downstream of the stop codon, G replaced by A.
Molecular consequence: 3 prime UTR variant.
Genome position (GRCh38, 1-based): chr8:89,934,569, C>T on the plus strand (G>A on the coding strand, the complement: NBN is on the minus strand). VCF-style: chr8-89934569-C-T. GRCh37 (hg19) VCF-style: chr8-90946797-C-T.
Other names: c.*1013G>A (NM_001024688.3).
Identifiers: ClinVar variation 363899 (VCV000363899.6), dbSNP rs13312984, ClinGen allele CA10631632.

ClinVar aggregate classification (germline): Benign. Review status: criteria provided, multiple submitters, no conflicts (2 of 4 stars). 2 submissions from 2 submitters: Benign (2). Last evaluated 2018-01-13.

Conditions:
Microcephaly, normal intelligence and immunodeficiency (NBS). Also called: Ataxia telangiectasia variant V1; Immunodeficiency, microcephaly with normal intelligence; IMMUNODEFICIENCY, MICROCEPHALY, AND CHROMOSOMAL INSTABILITY; SEEMANOVA SYNDROME II; Nijmegen breakage syndrome; Microcephaly with normal intelligence immunodeficiency and lymphoreticular malignancies. Identifiers: Orphanet 647, MedGen C0398791, MONDO:0009623, OMIM 251260.

Allele frequency attached by ClinVar (database versions not stated): TOPMed 0.00843; gnomAD 0.00945 and 0.01061; gnomAD exomes 0.01043; 1000 Genomes Project 30x 0.01140; 1000 Genomes Project 0.01318.
gnomAD v4.1: 2,484 of 233,200 alleles (1.1%); highest among the groups gnomAD compares: South Asian, 4.6%; 17 homozygotes.

Submissions (2):

Illumina Laboratory Services, Illumina
Classification: Benign for Microcephaly, normal intelligence and immunodeficiency. Last evaluated: 2018-01-13. Review status: criteria provided, single submitter. Criteria: ICSL Variant Classification Criteria 13 December 2019. Collection method: clinical testing. Allele origin: germline.
Comment: This variant was observed in the ICSL laboratory as part of a predisposition screen in an ostensibly healthy population. It had not been previously curated by ICSL or reported in the Human Gene Mutation Database (HGMD: prior to June 1st, 2018), and was therefore a candidate for classification through an automated scoring system. Utilizing variant allele frequency, disease prevalence and penetrance estimates, and inheritance mode, an automated score was calculated to assess if this variant is too frequent to cause the disease. Based on the score and internal cut-off values, a variant classified as benign is not then subjected to further curation. The score for this variant resulted in a classification of benign for this disease.

Breakthrough Genomics
Classification: Benign. Review status: criteria provided, single submitter. Criteria: ACMG Guidelines, 2015. Collection method: not provided. Allele origin: germline. Inheritance: Autosomal recessive inheritance. Affected: yes.